The following is an entry in ClinVar:

NM_022114.4(PRDM16):c.2272C>T (p.Pro758Ser)

Gene: PRDM16 (PR/SET domain 16; plus strand). Cytogenetic location: 1p36.32.
Variant type: single nucleotide variant.
Coding change: c.2272C>T on transcript NM_022114.4 (MANE Select); coding-DNA position 2272, C replaced by T.
Protein change: p.Pro758Ser; replaces proline 758 with serine.
Molecular consequence: missense variant.
Genome position (GRCh38, 1-based): chr1:3,412,469, C>T. VCF-style: chr1-3412469-C-T. GRCh37 (hg19) VCF-style: chr1-3329033-C-T.
Other names: c.2272C>T, p.Pro758Ser (NM_199454.3); short protein forms P758S.
Identifiers: ClinVar variation 2137835 (VCV002137835.4), dbSNP rs770119635, ClinGen allele CA544429.

ClinVar aggregate classification (germline): Uncertain significance (1 of 4 stars; one submission).

Conditions:
Left ventricular noncompaction 8 (LVNC8). Identifiers: Orphanet 154, Orphanet 54260, MedGen C3809288, MONDO:0014152, OMIM 615373.

Allele frequency attached by ClinVar (database versions not stated): ExAC 0.00001; gnomAD exomes 0.00001; TOPMed 0.00002.
gnomAD v4.1: 8 of 1,613,350 alleles (0.0005%); highest among the groups gnomAD compares: Admixed American, 0.0083%; no homozygotes.

Submission:

Labcorp Genetics (formerly Invitae), Labcorp
Classification: Uncertain significance for Left ventricular noncompaction 8. Last evaluated: 2022-12-14. Review status: criteria provided, single submitter. Criteria: Invitae Variant Classification Sherloc (09022015). Collection method: clinical testing. Allele origin: germline.
Comment: In summary, the available evidence is currently insufficient to determine the role of this variant in disease. Therefore, it has been classified as a Variant of Uncertain Significance. Algorithms developed to predict the effect of missense changes on protein structure and function (SIFT, PolyPhen-2, Align-GVGD) all suggest that this variant is likely to be disruptive. This variant has not been reported in the literature in individuals affected with PRDM16-related conditions. This variant is present in population databases (rs770119635, gnomAD 0.01%). This sequence change replaces proline, which is neutral and non-polar, with serine, which is neutral and polar, at codon 758 of the PRDM16 protein (p.Pro758Ser).